The following is an entry in ClinVar:

ClinVar aggregate classification (germline): Uncertain significance (1 of 4 stars; one submission).

Conditions:
Cardiovascular phenotype. Identifiers: MedGen CN230736.

Submission:

Ambry Genetics
Classification: Uncertain significance for Cardiovascular phenotype. Last evaluated: 2019-12-23. Review status: criteria provided, single submitter. Criteria: Ambry Variant Classification Scheme 2023. Collection method: clinical testing. Allele origin: germline.
Comment: The p.T240I variant (also known as c.719C>T), located in coding exon 5 of the TBX20 gene, results from a C to T substitution at nucleotide position 719. The threonine at codon 240 is replaced by isoleucine, an amino acid with similar properties. This amino acid position is highly conserved in available vertebrate species. In addition, the in silico prediction for this alteration is inconclusive. Since supporting evidence is limited at this time, the clinical significance of this alteration remains unclear.

NM_001077653.2(TBX20):c.719C>T (p.Thr240Ile)

Gene: TBX20 (T-box transcription factor 20; minus strand). Cytogenetic location: 7p14.2.
Variant type: single nucleotide variant.
Coding change: c.719C>T on transcript NM_001077653.2 (MANE Select); coding-DNA position 719, C replaced by T.
Protein change: p.Thr240Ile; replaces threonine 240 with isoleucine.
Molecular consequence: missense variant.
Genome position (GRCh38, 1-based): chr7:35,240,973, G>A on the plus strand (C>T on the coding strand, the complement: TBX20 is on the minus strand). VCF-style: chr7-35240973-G-A. GRCh37 (hg19) VCF-style: chr7-35280585-G-A.
Other names: c.719C>T, p.Thr240Ile (NM_001166220.1); short protein forms T240I.
Identifiers: ClinVar variation 1757621 (VCV001757621.2), dbSNP rs2546993219, ClinGen allele CA367264084.